The following is an entry in ClinVar:

NM_000062.3(SERPING1):c.1361del (p.Val454fs)

Gene: SERPING1 (serpin family G member 1; plus strand). Cytogenetic location: 11q12.1.
Variant type: Deletion.
Coding change: c.1361del on transcript NM_000062.3 (MANE Select); coding-DNA position 1361, one base deleted (T; older notation c.1361delT).
Protein change: p.Val454fs; shifts the reading frame from valine 454.
Molecular consequence: frameshift variant.
Genome position (GRCh38, 1-based): chr11:57,614,439, T deleted. VCF-style (leftmost placement, unchanged base first): chr11-57614438-GT-G. GRCh37 (hg19) VCF-style: chr11-57381911-GT-G.
Other names: c.1361del, p.Val454fs (NM_001032295.2); short protein forms V454fs.
Identifiers: ClinVar variation 1458527 (VCV001458527.8), dbSNP rs2135328012, ClinGen allele CA2573147265.

ClinVar aggregate classification (germline): Pathogenic (1 of 4 stars; one submission).

Submission:

Labcorp Genetics (formerly Invitae), Labcorp
Classification: Pathogenic. Last evaluated: 2021-07-16. Review status: criteria provided, single submitter. Criteria: Invitae Variant Classification Sherloc (09022015). Collection method: clinical testing. Allele origin: germline.
Comment: For these reasons, this variant has been classified as Pathogenic. This variant disrupts the C-terminus of the SERPING1 protein. Other variant(s) that disrupt this region (p.Arg494*) have been determined to be pathogenic (PMID: 8755917, 30508583, 32065705). This suggests that variants that disrupt this region of the protein are likely to be causative of disease. This variant has not been reported in the literature in individuals with SERPING1-related conditions. This variant is not present in population databases (ExAC no frequency). This sequence change results in a frameshift in the SERPING1 gene (p.Val454Glyfs*122). While this is not anticipated to result in nonsense mediated decay, it is expected to disrupt the last 47 amino acid(s) of the SERPING1 protein and extend the protein by 74 additional amino acid residues.

Literature cited by the submitters: PubMed 8755917; PubMed 30508583; PubMed 32065705.